The following is an entry in ClinVar:

NM_194318.4(B3GLCT):c.1372G>A (p.Val458Ile)

Gene: B3GLCT (beta 3-glucosyltransferase; plus strand). Cytogenetic location: 13q12.3.
Variant type: single nucleotide variant.
Coding change: c.1372G>A on transcript NM_194318.4 (MANE Select); coding-DNA position 1372, G replaced by A.
Protein change: p.Val458Ile; replaces valine 458 with isoleucine.
Molecular consequence: missense variant.
Genome position (GRCh38, 1-based): chr13:31,329,543, G>A. VCF-style: chr13-31329543-G-A. GRCh37 (hg19) VCF-style: chr13-31903680-G-A.
Other names: short protein forms V458I.
Identifiers: ClinVar variation 1031787 (VCV001031787.3), dbSNP rs201514470, ClinGen allele CA6936923.

ClinVar aggregate classification (germline): Uncertain significance. Review status: criteria provided, multiple submitters, no conflicts (2 of 4 stars). 2 submissions from 2 submitters: Uncertain significance (2). Last evaluated 2023-06-12.

Conditions:
Inborn genetic diseases. Identifiers: MedGen C0950123, MeSH D030342.
Peters plus syndrome. Also called: KRAUSE-KIVLIN SYNDROME. Identifiers: Orphanet 709, MedGen C0796012, MONDO:0009856, OMIM 261540.

Allele frequency attached by ClinVar (database versions not stated): ExAC 0.00002; gnomAD exomes 0.00002 and 0.00004; TOPMed 0.00002; gnomAD 0.00003.
gnomAD v4.1: 60 of 1,614,066 alleles (0.0037%); highest among the groups gnomAD compares: Non-Finnish European, 0.0047%; no homozygotes.

Submissions (2):

Ambry Genetics
Classification: Uncertain significance for Inborn genetic diseases. Last evaluated: 2023-06-12. Review status: criteria provided, single submitter. Criteria: Ambry Variant Classification Scheme 2023. Collection method: clinical testing. Allele origin: germline.

Baylor Genetics
Classification: Uncertain significance for Peters plus syndrome. Last evaluated: 2018-04-18. Review status: criteria provided, single submitter. Criteria: ACMG Guidelines, 2015. Collection method: clinical testing. Allele origin: maternal. Affected: yes.
Comment: This variant was determined to be of uncertain significance according to ACMG Guidelines, 2015 [PMID:25741868].